The following is an entry in ClinVar:

ClinVar aggregate classification (germline): Conflicting classifications of pathogenicity. Review status: criteria provided, conflicting classifications (1 of 4 stars). 3 submissions from 3 submitters: Uncertain significance (1); Likely benign (2). Last evaluated 2026-02-10.

Conditions:
Inborn genetic diseases. Identifiers: MedGen C0950123, MeSH D030342.
USP53-related disorder. Also called: USP53-related condition.

Allele frequency attached by ClinVar (database versions not stated): TOPMed 0.00054; ESP Exome Variant Server 0.00059; gnomAD exomes 0.00065; ExAC 0.00066; gnomAD 0.00068.
gnomAD v4.1: 1,013 of 1,565,132 alleles (0.065%); highest among the groups gnomAD compares: South Asian, 0.2%; 4 homozygotes.

Submissions (3):

PreventionGenetics, part of Exact Sciences
Classification: Likely benign for USP53-related condition. Last evaluated: 2026-02-10. Review status: criteria provided, single submitter. Criteria: ACMG Guidelines, 2015. Collection method: clinical testing. Allele origin: germline.
Comment: This variant is classified as likely benign based on ACMG/AMP sequence variant interpretation guidelines (Richards et al. 2015 PMID: 25741868, with internal and published modifications).

Labcorp Genetics (formerly Invitae), Labcorp
Classification: Likely benign. Last evaluated: 2024-12-08. Review status: criteria provided, single submitter. Criteria: Invitae Variant Classification Sherloc (09022015). Collection method: clinical testing. Allele origin: germline.

Ambry Genetics
Classification: Uncertain significance for Inborn genetic diseases. Last evaluated: 2023-06-28. Review status: criteria provided, single submitter. Criteria: Ambry Variant Classification Scheme 2023. Collection method: clinical testing. Allele origin: germline.

NM_001371395.1(USP53):c.1454T>C (p.Leu485Pro)

Gene: USP53 (ubiquitin specific peptidase 53; plus strand). Cytogenetic location: 4q26.
Variant type: single nucleotide variant.
Coding change: c.1454T>C on transcript NM_001371395.1 (MANE Select); coding-DNA position 1454, T replaced by C.
Protein change: p.Leu485Pro; replaces leucine 485 with proline.
Molecular consequence: missense variant.
Genome position (GRCh38, 1-based): chr4:119,271,314, T>C. VCF-style: chr4-119271314-T-C. GRCh37 (hg19) VCF-style: chr4-120192469-T-C.
Other names: c.1106T>C, p.Leu369Pro (NM_001389664.1, NM_001389666.1, NM_001389662.1 and 1 more transcripts); c.953T>C, p.Leu318Pro (NM_001389665.1, NM_001389667.1); c.1454T>C, p.Leu485Pro (NM_019050.3, NM_001371397.1, NM_001371398.1 and 3 more transcripts); c.1301T>C, p.Leu434Pro (NM_001371396.1, NM_001389661.1); c.1304T>C, p.Leu435Pro (NM_001389660.1); short protein forms L369P, L434P, L435P, L318P, L485P.
Identifiers: ClinVar variation 2589073 (VCV002589073.6), dbSNP rs200674564, ClinGen allele CA3059173.